The following is an entry in ClinVar:

ClinVar aggregate classification (germline): Pathogenic (1 of 4 stars; one submission).

Conditions:
Glycine encephalopathy. Also called: Nonketotic hyperglycinemia; Non-ketotic hyperglycinemia. Identifiers: Orphanet 407, MedGen C0751748, MONDO:0011612, HP:0008288.

Submission:

Labcorp Genetics (formerly Invitae), Labcorp
Classification: Pathogenic for Glycine encephalopathy. Last evaluated: 2020-05-07. Review status: criteria provided, single submitter. Criteria: Invitae Variant Classification Sherloc (09022015). Collection method: clinical testing. Allele origin: germline.
Comment: For these reasons, this variant has been classified as Pathogenic. Loss-of-function variants in GLDC are known to be pathogenic (PMID: 16601880). This variant has been observed in individual(s) with non-ketotic hyperglycinemia (PMID: 17361008, 27362913). This variant is an out-of-frame deletion of the genomic region encompassing exon(s) 3-8 of the GLDC gene. This is expected to create a premature translational stop signal and result in an absent or disrupted protein product.

Literature cited by the submitters: PubMed 16601880; PubMed 17361008; PubMed 27362913.

NC_000009.11:g.(?_6602089)_(6620339_?)del

Gene: GLDC (glycine decarboxylase; minus strand). Cytogenetic location: 9p24.1.
Variant type: Deletion.
Identifiers: ClinVar variation 1070375 (VCV001070375.10).